The following is an entry in ClinVar:

NM_003690.5(PRKRA):c.784+6A>T

Genes: CHROMR (cholesterol induced regulator of metabolism RNA; plus strand), PRKRA (protein activator of interferon induced protein kinase EIF2AK2; minus strand). Cytogenetic location: 2q31.2.
Variant type: single nucleotide variant.
Coding change: c.784+6A>T on transcript NM_003690.5 (MANE Select); 6 bases into the intron after coding-DNA position 784, A replaced by T.
Molecular consequence: intron variant.
Genome position (GRCh38, 1-based): chr2:178,436,139, T>A on the plus strand (A>T on the coding strand, the complement: PRKRA is on the minus strand). VCF-style: chr2-178436139-T-A. GRCh37 (hg19) VCF-style: chr2-179300866-T-A.
Other names: p.?; c.445+6A>T (NM_001316362.2); c.751+6A>T (NM_001139517.1); c.709+6A>T (NM_001139518.1).
Identifiers: ClinVar variation 425237 (VCV000425237.61), dbSNP rs188208530, ClinGen allele CA1983774.
Genomic context (GRCh38, chr2:178,436,139, plus strand): 5'-TTTTGTTCCTCAAACACATTTTTAAATAAACATGTCTTGGGAAAGCCAAAGAAAAAAAAA[T>A]CATACCTATATCCAAATATGTTATATTAAAACCTTGTTCCTTGGCAATTTCACTAAGCAG-3'

ClinVar aggregate classification (germline): Likely benign. Review status: criteria provided, multiple submitters, no conflicts (2 of 4 stars). 6 submissions from 6 submitters: Likely benign (6). Last evaluated 2026-02-02.

Conditions:
Dystonia 16 (DYT16). Also called: DYT-PRKRA. Identifiers: Orphanet 210571, MedGen C2677567, MONDO:0012789, OMIM 612067.

Allele frequency attached by ClinVar (database versions not stated): TOPMed 0.00197; gnomAD 0.00302 and 0.00299; ExAC 0.00361; gnomAD exomes 0.00263; 1000 Genomes Project 0.00100; ESP Exome Variant Server 0.00138.

Submissions (6):

Labcorp Genetics (formerly Invitae), Labcorp
Classification: Likely benign for Dystonia 16. Last evaluated: 2026-02-02. Review status: criteria provided, single submitter. Criteria: Invitae Variant Classification Sherloc (09022015). Collection method: clinical testing. Allele origin: germline.

CeGaT Center for Human Genetics Tuebingen
Classification: Likely benign. Last evaluated: 2026-01-01. Review status: criteria provided, single submitter. Criteria: CeGaT Center For Human Genetics Tuebingen Variant Classification Criteria Version 2. Collection method: clinical testing. Allele origin: germline. Affected: yes. Observed: 12 variant alleles.
Comment: PRKRA: BP4, BS2

Mayo Clinic Laboratories, Mayo Clinic
Classification: Likely benign. Last evaluated: 2025-11-24. Review status: criteria provided, single submitter. Criteria: ACMG Guidelines, 2015. Collection method: clinical testing. Allele origin: germline. Observed: 9 variant alleles.
Comment: BP4, BP7

Blueprint Genetics
Classification: Likely benign. Last evaluated: 2024-11-26. Review status: criteria provided, single submitter. Criteria: ACMG Guidelines, 2015. Collection method: clinical testing. Allele origin: germline.

GeneDx
Classification: Likely benign. Last evaluated: 2021-08-04. Review status: criteria provided, single submitter. Criteria: GeneDx Variant Classification Process June 2021. Collection method: clinical testing. Allele origin: germline. Affected: yes.

Illumina Laboratory Services, Illumina
Classification: Likely benign for Dystonia 16. Last evaluated: 2018-01-13. Review status: criteria provided, single submitter. Criteria: ICSL Variant Classification Criteria 13 December 2019. Collection method: clinical testing. Allele origin: germline.
Comment: This variant was observed in the ICSL laboratory as part of a predisposition screen in an ostensibly healthy population. It had not been previously curated by ICSL or reported in the Human Gene Mutation Database (HGMD: prior to June 1st, 2018), and was therefore a candidate for classification through an automated scoring system. Utilizing variant allele frequency, disease prevalence and penetrance estimates, and inheritance mode, an automated score was calculated to assess if this variant is too frequent to cause the disease. Based on the score and internal cut-off values, a variant classified as likely benign is not then subjected to further curation. The score for this variant resulted in a classification of likely benign for this disease.